The following is an entry in ClinVar:

ClinVar aggregate classification (germline): Likely pathogenic (1 of 4 stars; one submission).

Conditions:
Autosomal recessive severe congenital neutropenia due to CSF3R deficiency. Also called: Neutropenia, severe congenital, 7, autosomal recessive. Identifiers: Orphanet 420702, MedGen C4310764, MONDO:0014865, OMIM 617014.

Allele frequency attached by ClinVar (database versions not stated): gnomAD exomes below 0.00001.
gnomAD v4.1: 1 of 1,605,280 alleles (0.000062%); highest among the groups gnomAD compares: Non-Finnish European, 0.000085%; no homozygotes.

Submission:

Labcorp Genetics (formerly Invitae), Labcorp
Classification: Likely pathogenic for Autosomal recessive severe congenital neutropenia due to CSF3R deficiency. Last evaluated: 2022-10-24. Review status: criteria provided, single submitter. Criteria: Invitae Variant Classification Sherloc (09022015). Collection method: clinical testing. Allele origin: germline.
Comment: Algorithms developed to predict the effect of sequence changes on RNA splicing suggest that this variant may disrupt the consensus splice site. This sequence change affects an acceptor splice site in intron 3 of the CSF3R gene. It is expected to disrupt RNA splicing. Variants that disrupt the donor or acceptor splice site typically lead to a loss of protein function (PMID: 16199547), and loss-of-function variants in CSF3R are known to be pathogenic (PMID: 24753537, 26324699). This variant is not present in population databases (gnomAD no frequency). This variant has not been reported in the literature in individuals affected with CSF3R-related conditions. In summary, the currently available evidence indicates that the variant is pathogenic, but additional data are needed to prove that conclusively. Therefore, this variant has been classified as Likely Pathogenic.

Literature cited by the submitters: PubMed 16199547; PubMed 24753537; PubMed 26324699.

NM_000760.4(CSF3R):c.65-1G>A

Gene: CSF3R (colony stimulating factor 3 receptor; minus strand). Cytogenetic location: 1p34.3.
Variant type: single nucleotide variant.
Coding change: c.65-1G>A on transcript NM_000760.4 (MANE Select); the canonical splice acceptor site of the intron before coding-DNA position 65, G replaced by A.
Molecular consequence: splice acceptor variant.
Genome position (GRCh38, 1-based): chr1:36,475,674, C>T on the plus strand (G>A on the coding strand, the complement: CSF3R is on the minus strand). VCF-style: chr1-36475674-C-T. GRCh37 (hg19) VCF-style: chr1-36941275-C-T.
Other names: c.65-1G>A (NM_156039.3, NM_172313.3).
Identifiers: ClinVar variation 2066573 (VCV002066573.4), dbSNP rs2521832108, ClinGen allele CA339425272.